The following is an entry in ClinVar:

ClinVar aggregate classification (germline): Conflicting classifications of pathogenicity. Review status: criteria provided, conflicting classifications (1 of 4 stars). 5 submissions from 5 submitters: Uncertain significance (4); Likely benign (1). Last evaluated 2023-12-11.

Conditions:
Hereditary breast ovarian cancer syndrome. Also called: BRCA1- and BRCA2-Associated Hereditary Breast and Ovarian Cancer; Hereditary breast and ovarian cancer syndrome; Hereditary breast and ovarian cancer syndrome (HBOC); Hereditary breast and/or ovarian cancer syndrome; Breast and ovarian cancer; Hereditary breast and ovarian cancer. Identifiers: Orphanet 145, MedGen C0677776, MeSH D061325, MONDO:0003582. Disease mechanism: loss of function.
Hereditary cancer-predisposing syndrome. Also called: Hereditary neoplastic syndrome; Neoplastic Syndromes, Hereditary; Hereditary Cancer Syndrome; Tumor predisposition. Identifiers: Orphanet 140162, MedGen C0027672, MeSH D009386, MONDO:0015356.

Submissions (5):

GeneDx
Classification: Uncertain significance. Last evaluated: 2023-12-11. Review status: criteria provided, single submitter. Criteria: GeneDx Variant Classification Process June 2021. Collection method: clinical testing. Allele origin: germline. Affected: yes.
Comment: Not observed at significant frequency in large population cohorts (gnomAD); In silico analysis supports that this missense variant has a deleterious effect on protein structure/function; Has not been previously published as pathogenic or benign to our knowledge; Also known as 3318A>T; This variant is associated with the following publications: (PMID: 15343273)

Ambry Genetics
Classification: Uncertain significance for Hereditary cancer-predisposing syndrome. Last evaluated: 2023-04-24. Review status: criteria provided, single submitter. Criteria: Ambry Variant Classification Scheme 2023. Collection method: clinical testing. Allele origin: germline.
Comment: The p.N1067Y variant (also known as c.3199A>T), located in coding exon 9 of the BRCA1 gene, results from an A to T substitution at nucleotide position 3199. The asparagine at codon 1067 is replaced by tyrosine, an amino acid with dissimilar properties. This amino acid position is not well conserved in available vertebrate species. In addition, the in silico prediction for this alteration is inconclusive. Since supporting evidence is limited at this time, the clinical significance of this alteration remains unclear.

University of Washington Department of Laboratory Medicine, University of Washington
Classification: Likely benign for Hereditary cancer-predisposing syndrome. Last evaluated: 2023-03-23. Review status: criteria provided, single submitter. Criteria: Dines et al. (Genet Med. 2020). Collection method: curation. Allele origin: germline.
Comment: Missense variant in a coldspot region where missense variants are very unlikely to be pathogenic (PMID:31911673).

BRCA1 coldspot (exon 11 using historical exon numbering). Reclassification based on statistical prior probability

Color Diagnostics, LLC DBA Color Health
Classification: Uncertain significance for Hereditary cancer-predisposing syndrome. Last evaluated: 2022-11-22. Review status: criteria provided, single submitter. Criteria: ACMG Guidelines, 2015. Collection method: clinical testing. Allele origin: germline.
Comment: This missense variant replaces asparagine with tyrosine at codon 1067 of the BRCA1 protein. Computational prediction is inconclusive regarding the impact of this variant on protein structure and function (internally defined REVEL score threshold 0.5 < inconclusive < 0.7, PMID: 27666373). To our knowledge, functional studies have not been reported for this variant. This variant has not been reported in individuals affected with BRCA1-related disorders in the literature. This variant has not been identified in the general population by the Genome Aggregation Database (gnomAD). The available evidence is insufficient to determine the role of this variant in disease conclusively. Therefore, this variant is classified as a Variant of Uncertain Significance.

Labcorp Genetics (formerly Invitae), Labcorp
Classification: Uncertain significance for Hereditary breast ovarian cancer syndrome. Last evaluated: 2022-07-21. Review status: criteria provided, single submitter. Criteria: Invitae Variant Classification Sherloc (09022015). Collection method: clinical testing. Allele origin: germline.
Comment: This variant has not been reported in the literature in individuals affected with BRCA1-related conditions. ClinVar contains an entry for this variant (Variation ID: 660719). This sequence change replaces asparagine, which is neutral and polar, with tyrosine, which is neutral and polar, at codon 1067 of the BRCA1 protein (p.Asn1067Tyr). This variant is not present in population databases (gnomAD no frequency). Advanced modeling of protein sequence and biophysical properties (such as structural, functional, and spatial information, amino acid conservation, physicochemical variation, residue mobility, and thermodynamic stability) performed at Invitae indicates that this missense variant is not expected to disrupt BRCA1 protein function. In summary, the available evidence is currently insufficient to determine the role of this variant in disease. Therefore, it has been classified as a Variant of Uncertain Significance.

NM_007294.4(BRCA1):c.3199A>T (p.Asn1067Tyr)

Gene: BRCA1 (BRCA1 DNA repair associated; minus strand). Cytogenetic location: 17q21.31.
Variant type: single nucleotide variant.
Coding change: c.3199A>T on transcript NM_007294.4 (MANE Select); coding-DNA position 3199, A replaced by T.
Protein change: p.Asn1067Tyr; replaces asparagine 1067 with tyrosine.
Molecular consequence: missense variant. On other transcripts: intron variant (137).
Genome position (GRCh38, 1-based): chr17:43,092,332, T>A on the plus strand (A>T on the coding strand, the complement: BRCA1 is on the minus strand). VCF-style: chr17-43092332-T-A. GRCh37 (hg19) VCF-style: chr17-41244349-T-A.
Other names: c.2986A>T, p.Asn996Tyr (NM_001407571.1, NM_001407853.1, NM_001407894.1 and 9 more transcripts); c.3199A>T, p.Asn1067Tyr (NM_001407581.1, NM_001407582.1, NM_001407583.1 and 30 more transcripts); c.3196A>T, p.Asn1066Tyr (NM_001407587.1, NM_001407590.1, NM_001407591.1 and 22 more transcripts); c.3190A>T, p.Asn1064Tyr (NM_001407646.1, NM_001407647.1); c.3076A>T, p.Asn1026Tyr (NM_001407648.1, NM_001407664.1, NM_001407665.1 and 19 more transcripts); c.3073A>T, p.Asn1025Tyr (NM_001407649.1, NM_001407670.1, NM_001407671.1 and 11 more transcripts); c.3121A>T, p.Asn1041Tyr (NM_001407653.1, NM_001407654.1, NM_001407655.1 and 4 more transcripts); c.3118A>T, p.Asn1040Tyr (NM_001407659.1, NM_001407660.1, NM_001407661.1 and 1 more transcripts); and 41 more; short protein forms N1020Y, N1067Y, N771Y, N956Y, N978Y, N1000Y, N1025Y, N1041Y.
Identifiers: ClinVar variation 660719 (VCV000660719.19), dbSNP rs1597865137, ClinGen allele CA10595583.